The following is an entry in ClinVar:

ClinVar aggregate classification (germline): Pathogenic (1 of 4 stars; one submission).

Conditions:
Mitochondrial DNA depletion syndrome 9 (MTDPS9). Also called: SUCLG1-Related Mitochondrial DNA Depletion Syndrome, Encephalomyopathic Form with Methylmalonic Aciduria. Identifiers: Orphanet 17, MedGen C3151476, MONDO:0009504, OMIM 245400.

Allele frequency attached by ClinVar (database versions not stated): gnomAD exomes below 0.00001.
gnomAD v4.1: 4 of 1,614,002 alleles (0.00025%); highest among the groups gnomAD compares: Non-Finnish European, 0.00034%; no homozygotes.

Submission:

Labcorp Genetics (formerly Invitae), Labcorp
Classification: Pathogenic for Mitochondrial DNA depletion syndrome 9. Last evaluated: 2023-07-25. Review status: criteria provided, single submitter. Criteria: Invitae Variant Classification Sherloc (09022015). Collection method: clinical testing. Allele origin: germline.
Comment: This sequence change creates a premature translational stop signal (p.Gln149*) in the SUCLG1 gene. It is expected to result in an absent or disrupted protein product. Loss-of-function variants in SUCLG1 are known to be pathogenic (PMID: 20693550). This variant is not present in population databases (gnomAD no frequency). This premature translational stop signal has been observed in individual(s) with methylmalonic acidemia (PMID: 31622506). For these reasons, this variant has been classified as Pathogenic.

Literature cited by the submitters: PubMed 20693550; PubMed 31622506.

NM_003849.4(SUCLG1):c.445C>T (p.Gln149Ter)

Gene: SUCLG1 (succinate-CoA ligase GDP/ADP-forming subunit alpha; minus strand). Cytogenetic location: 2p11.2.
Variant type: single nucleotide variant.
Coding change: c.445C>T on transcript NM_003849.4 (MANE Select); coding-DNA position 445, C replaced by T.
Protein change: p.Gln149Ter; replaces glutamine 149 with a stop codon.
Molecular consequence: nonsense.
Genome position (GRCh38, 1-based): chr2:84,441,333, G>A on the plus strand (C>T on the coding strand, the complement: SUCLG1 is on the minus strand). VCF-style: chr2-84441333-G-A. GRCh37 (hg19) VCF-style: chr2-84668457-G-A.
Other names: short protein forms Q149*.
Identifiers: ClinVar variation 2982185 (VCV002982185.3), dbSNP rs2468630662, ClinGen allele CA347515729.
Genomic context (GRCh38, chr2:84,441,333, plus strand): 5'-CAATTAGCCTTGTCTTTTCCTGGCGCAGCAGTTTGTGCTTGACTCGTACCATGTCCTGCT[G>A]GGGAATTCCTTCAGTGATACACACAACCAAGGGAATTTCTGCCTCAATAGCTTCATTAAT-3'